The following is an entry in ClinVar:

ClinVar aggregate classification (germline): Uncertain significance. Review status: criteria provided, multiple submitters, no conflicts (2 of 4 stars). 3 submissions from 3 submitters: Uncertain significance (3). Last evaluated 2025-08-14.

Allele frequency attached by ClinVar (database versions not stated): ExAC 0.00006; gnomAD exomes 0.00006.
gnomAD v4.1: 211 of 1,612,614 alleles (0.013%); highest among the groups gnomAD compares: Middle Eastern, 0.033%; no homozygotes.

Submissions (3):

Labcorp Genetics (formerly Invitae), Labcorp
Classification: Uncertain significance. Last evaluated: 2025-08-14. Review status: criteria provided, single submitter. Criteria: Invitae Variant Classification Sherloc (09022015). Collection method: clinical testing. Allele origin: germline.
Comment: This sequence change replaces asparagine, which is neutral and polar, with serine, which is neutral and polar, at codon 141 of the CD81 protein (p.Asn141Ser). This variant is present in population databases (rs754554237, gnomAD 0.01%). This variant has not been reported in the literature in individuals affected with CD81-related conditions. ClinVar contains an entry for this variant (Variation ID: 1436980). An algorithm developed to predict the effect of missense changes on protein structure and function outputs the following: PolyPhen-2: "Benign". The serine amino acid residue is found in multiple mammalian species, which suggests that this missense change does not adversely affect protein function. In summary, the available evidence is currently insufficient to determine the role of this variant in disease. Therefore, it has been classified as a Variant of Uncertain Significance.

Ambry Genetics
Classification: Uncertain significance. Last evaluated: 2025-03-14. Review status: criteria provided, single submitter. Criteria: Ambry Variant Classification Scheme 2023. Collection method: clinical testing. Allele origin: germline.

Breakthrough Genomics
Classification: Uncertain significance. Review status: criteria provided, single submitter. Criteria: ACMG Guidelines, 2015. Collection method: not provided. Allele origin: germline. Inheritance: Autosomal recessive inheritance. Affected: yes.

NM_004356.4(CD81):c.422A>G (p.Asn141Ser)

Gene: CD81 (CD81 molecule; plus strand). Cytogenetic location: 11p15.5.
Variant type: single nucleotide variant.
Coding change: c.422A>G on transcript NM_004356.4 (MANE Select); coding-DNA position 422, A replaced by G.
Protein change: p.Asn141Ser; replaces asparagine 141 with serine.
Molecular consequence: missense variant.
Genome position (GRCh38, 1-based): chr11:2,395,483, A>G. VCF-style: chr11-2395483-A-G. GRCh37 (hg19) VCF-style: chr11-2416713-A-G.
Other names: c.209A>G, p.Asn70Ser (NM_001297649.2); c.422A>G (NM_004356.3); short protein forms N70S, N141S.
Identifiers: ClinVar variation 1436980 (VCV001436980.8), dbSNP rs754554237, ClinGen allele CA5820001.